The following is an entry in ClinVar:

NM_002430.3(MN1):c.2521G>T (p.Ala841Ser)

Gene: MN1 (MN1 proto-oncogene, transcriptional regulator; minus strand). Cytogenetic location: 22q12.1.
Variant type: single nucleotide variant.
Coding change: c.2521G>T on transcript NM_002430.3 (MANE Select); coding-DNA position 2521, G replaced by T.
Protein change: p.Ala841Ser; replaces alanine 841 with serine.
Molecular consequence: missense variant.
Genome position (GRCh38, 1-based): chr22:27,798,023, C>A on the plus strand (G>T on the coding strand, the complement: MN1 is on the minus strand). VCF-style: chr22-27798023-C-A. GRCh37 (hg19) VCF-style: chr22-28194011-C-A.
Other names: short protein forms A841S.
Identifiers: ClinVar variation 2501819 (VCV002501819.1), dbSNP rs1183955186, ClinGen allele CA411045500.

ClinVar aggregate classification (germline): Uncertain significance (1 of 4 stars; one submission).

Submission:

GeneDx
Classification: Uncertain significance. Last evaluated: 2022-11-10. Review status: criteria provided, single submitter. Criteria: GeneDx Variant Classification Process June 2021. Collection method: clinical testing. Allele origin: germline. Affected: yes.
Comment: Not observed at significant frequency in large population cohorts (gnomAD); In silico analysis supports that this missense variant does not alter protein structure/function; Has not been previously published as pathogenic or benign to our knowledge